The following is an entry in ClinVar:

NM_000301.5(PLG):c.1223G>A (p.Arg408Gln)

Gene: PLG (plasminogen; plus strand). Cytogenetic location: 6q26.
Variant type: single nucleotide variant.
Coding change: c.1223G>A on transcript NM_000301.5 (MANE Select); coding-DNA position 1223, G replaced by A.
Protein change: p.Arg408Gln; replaces arginine 408 with glutamine.
Molecular consequence: missense variant.
Genome position (GRCh38, 1-based): chr6:160,722,534, G>A. VCF-style: chr6-160722534-G-A. GRCh37 (hg19) VCF-style: chr6-161143566-G-A.
Other names: short protein forms R408Q.
Identifiers: ClinVar variation 4753198 (VCV004753198.1).

ClinVar aggregate classification (germline): Uncertain significance (1 of 4 stars; one submission).

Submission:

Labcorp Genetics (formerly Invitae), Labcorp
Classification: Uncertain significance. Last evaluated: 2026-02-01. Review status: criteria provided, single submitter. Criteria: Invitae Variant Classification Sherloc (09022015). Collection method: clinical testing. Allele origin: germline.
Comment: This sequence change replaces arginine, which is basic and polar, with glutamine, which is neutral and polar, at codon 408 of the PLG protein (p.Arg408Gln). This variant is not present in population databases (gnomAD no frequency). This variant has not been reported in the literature in individuals affected with PLG-related conditions. Invitae Evidence Modeling of protein sequence and biophysical properties (such as structural, functional, and spatial information, amino acid conservation, physicochemical variation, residue mobility, and thermodynamic stability) indicates that this missense variant is not expected to disrupt PLG protein function with a negative predictive value of 80%. In summary, the available evidence is currently insufficient to determine the role of this variant in disease. Therefore, it has been classified as a Variant of Uncertain Significance.